The following is an entry in ClinVar:

ClinVar aggregate classification (germline): Uncertain significance (1 of 4 stars; one submission).

Conditions:
Androgen resistance syndrome (AIS). Also called: ANDROGEN RECEPTOR DEFICIENCY; DIHYDROTESTOSTERONE RECEPTOR DEFICIENCY; TESTICULAR FEMINIZATION SYNDROME; Androgen insensitivity syndrome due to coactivator deficiency; Androgen insensitivity syndrome; Androgen insensitivity. Identifiers: Orphanet 754, Orphanet 99429, MedGen C0039585, MONDO:0019154, OMIM 300068. Disease mechanism: loss of function.
Kennedy disease (SMAX1). Also called: SPINAL AND BULBAR MUSCULAR ATROPHY, X-LINKED 1; KENNEDY SPINAL AND BULBAR MUSCULAR ATROPHY; Spinal and Bulbar Muscular Atrophy. Identifiers: Orphanet 481, MedGen C1839259, MONDO:0010735, OMIM 313200.

Submission:

Labcorp Genetics (formerly Invitae), Labcorp
Classification: Uncertain significance for Kennedy disease; Androgen resistance syndrome. Last evaluated: 2022-03-04. Review status: criteria provided, single submitter. Criteria: Invitae Variant Classification Sherloc (09022015). Collection method: clinical testing. Allele origin: germline.
Comment: This variant is not present in population databases (gnomAD no frequency). In summary, the available evidence is currently insufficient to determine the role of this variant in disease. Therefore, it has been classified as a Variant of Uncertain Significance. Algorithms developed to predict the effect of missense changes on protein structure and function are either unavailable or do not agree on the potential impact of this missense change (SIFT: "Deleterious"; PolyPhen-2: "Probably Damaging"; Align-GVGD: "Class C0"). This variant has not been reported in the literature in individuals affected with AR-related conditions. This sequence change replaces methionine, which is neutral and non-polar, with threonine, which is neutral and polar, at codon 776 of the AR protein (p.Met776Thr).

NM_000044.6(AR):c.2327T>C (p.Met776Thr)

Gene: AR (androgen receptor; plus strand). Cytogenetic location: Xq12.
Variant type: single nucleotide variant.
Coding change: c.2327T>C on transcript NM_000044.6 (MANE Select); coding-DNA position 2327, T replaced by C.
Protein change: p.Met776Thr; replaces methionine 776 with threonine.
Molecular consequence: missense variant.
Genome position (GRCh38, 1-based): chrX:67,721,841, T>C. VCF-style: chrX-67721841-T-C. GRCh37 (hg19) VCF-style: chrX-66941683-T-C.
Other names: c.731T>C, p.Met244Thr (NM_001011645.3); short protein forms M776T, M244T.
Identifiers: ClinVar variation 2102759 (VCV002102759.4), dbSNP rs2147535523, ClinGen allele CA413426388.